The following is an entry in ClinVar:

NM_001845.6(COL4A1):c.4441C>T (p.Arg1481Trp)

Gene: COL4A1 (collagen type IV alpha 1 chain; minus strand). Cytogenetic location: 13q34.
Variant type: single nucleotide variant.
Coding change: c.4441C>T on transcript NM_001845.6 (MANE Select); coding-DNA position 4441, C replaced by T.
Protein change: p.Arg1481Trp; replaces arginine 1481 with tryptophan.
Molecular consequence: missense variant.
Genome position (GRCh38, 1-based): chr13:110,162,251, G>A on the plus strand (C>T on the coding strand, the complement: COL4A1 is on the minus strand). VCF-style: chr13-110162251-G-A. GRCh37 (hg19) VCF-style: chr13-110814598-G-A.
Other names: c.4441C>T (NM_001845.5); short protein forms R1481W.
Identifiers: ClinVar variation 311023 (VCV000311023.20), dbSNP rs199586038, ClinGen allele CA7046940.

ClinVar aggregate classification (germline): Conflicting classifications of pathogenicity. Review status: criteria provided, conflicting classifications (1 of 4 stars). 6 submissions from 5 submitters: Uncertain significance (4); Likely benign (2). Last evaluated 2026-02-01.

Conditions:
Brain small vessel disease 1 with or without ocular anomalies (BSVD1). Also called: GOULD SYNDROME 1; PORENCEPHALY, TYPE 1, AUTOSOMAL DOMINANT; BRAIN SMALL VESSEL DISEASE WITH HEMORRHAGE; Brain small vessel disease with or without ocular anomalies. Identifiers: Orphanet 2940, Orphanet 36383, Orphanet 99810, MedGen C4755307, MONDO:0008289, OMIM 175780.
COL4A1-related disorder. Also called: COL4A1-related condition; COL4A1-related disorders. Identifiers: MedGen CN376119, MONDO:0800461.
Autosomal dominant familial hematuria-retinal arteriolar tortuosity-contractures syndrome. Also called: Angiopathy, hereditary, with nephropathy, aneurysms, and muscle cramps; Hereditary Angiopathy with Nephropathy, Aneurysms, and Muscle Cramps (HANAC) Syndrome. Identifiers: Orphanet 73229, MedGen C2673195, MONDO:0012726, OMIM 611773.
Hemorrhage, intracerebral, susceptibility to (ICH). Also called: Stroke, hemorrhagic, susceptibility to. Identifiers: MedGen C3281105, MONDO:0100533, OMIM 614519.
Retinal arterial tortuosity. Also called: Retinal arteries, tortuosity of; RETINAL HEMORRHAGE WITH VASCULAR TORTUOSITY. Identifiers: Orphanet 75326, MedGen C0423401, MONDO:0008373, OMIM 180000, HP:0000631.
Microangiopathy and leukoencephalopathy, pontine, autosomal dominant. Also called: DEMENTIA, HEREDITARY MULTI-INFARCT, SWEDISH TYPE; Pontine autosomal dominant microangiopathy with leukoencephalopathy. Identifiers: Orphanet 477749, MedGen C5231411, MONDO:0032814, OMIM 618564.

Allele frequency attached by ClinVar (database versions not stated): TOPMed 0.00005; gnomAD 0.00008 and 0.00009; gnomAD exomes 0.00003; ExAC 0.00004; 1000 Genomes Project 0.00020; 1000 Genomes Project 30x 0.00031.
gnomAD v4.1: 87 of 1,614,174 alleles (0.0054%); highest among the groups gnomAD compares: Admixed American, 0.0067%; no homozygotes.

Submissions (6):

Labcorp Genetics (formerly Invitae), Labcorp
Classification: Uncertain significance. Last evaluated: 2026-02-01. Review status: criteria provided, single submitter. Criteria: Invitae Variant Classification Sherloc (09022015). Collection method: clinical testing. Allele origin: germline.
Comment: This sequence change replaces arginine, which is basic and polar, with tryptophan, which is neutral and slightly polar, at codon 1481 of the COL4A1 protein (p.Arg1481Trp). This variant is present in population databases (rs199586038, gnomAD 0.006%). This variant has not been reported in the literature in individuals affected with COL4A1-related conditions. ClinVar contains an entry for this variant (Variation ID: 311023). Invitae Evidence Modeling of protein sequence and biophysical properties (such as structural, functional, and spatial information, amino acid conservation, physicochemical variation, residue mobility, and thermodynamic stability) indicates that this missense variant is expected to disrupt COL4A1 protein function with a positive predictive value of 95%. In summary, the available evidence is currently insufficient to determine the role of this variant in disease. Therefore, it has been classified as a Variant of Uncertain Significance.

GeneDx
Classification: Uncertain significance. Last evaluated: 2025-05-07. Review status: criteria provided, single submitter. Criteria: GeneDx Variant Classification Process June 2021. Collection method: clinical testing. Allele origin: germline. Affected: yes.
Comment: In silico analysis supports that this missense variant has a deleterious effect on protein structure/function; Has not been previously published as pathogenic or benign to our knowledge

PreventionGenetics, part of Exact Sciences
Classification: Uncertain significance for COL4A1-related condition. Last evaluated: 2024-10-23. Review status: criteria provided, single submitter. Criteria: ACMG Guidelines, 2015. Collection method: clinical testing. Allele origin: germline.
Comment: The COL4A1 c.4441C>T variant is predicted to result in the amino acid substitution p.Arg1481Trp. To our knowledge, this variant has not been reported in the literature. This variant is reported in 0.0054% of alleles in individuals of European (Non-Finnish) descent in gnomAD. At this time, the clinical significance of this variant is uncertain due to the absence of conclusive functional and genetic evidence.

Fulgent Genetics
Classification: Uncertain significance for Brain small vessel disease 1 with or without ocular anomalies; Retinal arterial tortuosity; Autosomal dominant familial hematuria-retinal arteriolar tortuosity-contractures syndrome; Hemorrhage, intracerebral, susceptibility to; Microangiopathy and leukoencephalopathy, pontine, autosomal dominant. Last evaluated: 2024-05-22. Review status: criteria provided, single submitter. Criteria: ACMG Guidelines, 2015. Collection method: clinical testing. Allele origin: germline.

Illumina Laboratory Services, Illumina
Classification: Likely benign for Brain small vessel disease 1 with or without ocular anomalies. Last evaluated: 2018-01-13. Review status: criteria provided, single submitter. Criteria: ICSL Variant Classification Criteria 13 December 2019. Collection method: clinical testing. Allele origin: germline.
Comment: This variant was observed in the ICSL laboratory as part of a predisposition screen in an ostensibly healthy population. It had not been previously curated by ICSL or reported in the Human Gene Mutation Database (HGMD: prior to June 1st, 2018), and was therefore a candidate for classification through an automated scoring system. Utilizing variant allele frequency, disease prevalence and penetrance estimates, and inheritance mode, an automated score was calculated to assess if this variant is too frequent to cause the disease. Based on the score and internal cut-off values, a variant classified as likely benign is not then subjected to further curation. The score for this variant resulted in a classification of likely benign for this disease.

Illumina Laboratory Services, Illumina
Classification: Likely benign for Autosomal dominant familial hematuria-retinal arteriolar tortuosity-contractures syndrome. Last evaluated: 2018-01-13. Review status: criteria provided, single submitter. Criteria: ICSL Variant Classification Criteria 13 December 2019. Collection method: clinical testing. Allele origin: germline.
Comment: the same text as in the submission from Illumina Laboratory Services, Illumina above.